The following is an entry in ClinVar:

NM_133259.4(LRPPRC):c.3365-249G>A

Gene: LRPPRC (leucine rich pentatricopeptide repeat containing; minus strand). Cytogenetic location: 2p21.
Variant type: single nucleotide variant.
Coding change: c.3365-249G>A on transcript NM_133259.4 (MANE Select); 249 bases into the intron before coding-DNA position 3365, G replaced by A.
Molecular consequence: intron variant.
Genome position (GRCh38, 1-based): chr2:43,901,773, C>T on the plus strand (G>A on the coding strand, the complement: LRPPRC is on the minus strand). VCF-style: chr2-43901773-C-T. GRCh37 (hg19) VCF-style: chr2-44128912-C-T.
Identifiers: ClinVar variation 671284 (VCV000671284.2), dbSNP rs4953032, ClinGen allele CA11150649.
Genomic context (GRCh38, chr2:43,901,773, plus strand): 5'-TAAGATATTAGAGGCCCGAGGAATTTCTTCTTTAAGTCACAGAGAAAATACAAATGTTAC[C>T]GACAATATGAGTTCCATTTAGGGATAACATTCAGTGACTAAAGTTGGTAAGTTCAAATGA-3'

ClinVar aggregate classification (germline): Benign. Review status: criteria provided, multiple submitters, no conflicts (2 of 4 stars). 2 submissions from 2 submitters: Benign (2). Last evaluated 2018-06-14.

Allele frequency attached by ClinVar (database versions not stated): gnomAD exomes 0.46762; gnomAD 0.50933 and 0.51289; TOPMed 0.53642; 1000 Genomes Project 30x 0.64101; 1000 Genomes Project 0.64277.
gnomAD v4.1: 226,943 of 470,732 alleles (48%); highest among the groups gnomAD compares: East Asian, 94%; 59,803 homozygotes.

Submissions (2):

GeneDx
Classification: Benign. Last evaluated: 2018-06-14. Review status: criteria provided, single submitter. Criteria: GeneDx Variant Classification (06012015). Collection method: clinical testing. Allele origin: germline. Affected: yes.
Comment: This variant is considered likely benign or benign based on one or more of the following criteria: it is a conservative change, it occurs at a poorly conserved position in the protein, it is predicted to be benign by multiple in silico algorithms, and/or has population frequency not consistent with disease.

Breakthrough Genomics
Classification: Benign. Review status: criteria provided, single submitter. Criteria: ACMG Guidelines, 2015. Collection method: not provided. Allele origin: germline. Inheritance: Autosomal recessive inheritance. Affected: yes.